The following is an entry in ClinVar:

ClinVar aggregate classification (germline): Uncertain significance (1 of 4 stars; one submission).

Submission:

GeneDx
Classification: Uncertain significance. Last evaluated: 2025-04-07. Review status: criteria provided, single submitter. Criteria: GeneDx Variant Classification Process June 2021. Collection method: clinical testing. Allele origin: germline. Affected: yes.
Comment: Not observed at significant frequency in large population cohorts (gnomAD); In silico analysis indicates that this missense variant does not alter protein structure/function; Has not been previously published as pathogenic or benign to our knowledge

NM_005909.5(MAP1B):c.7037A>C (p.Lys2346Thr)

Gene: MAP1B (microtubule associated protein 1B; plus strand). Cytogenetic location: 5q13.2.
Variant type: single nucleotide variant.
Coding change: c.7037A>C on transcript NM_005909.5 (MANE Select); coding-DNA position 7037, A replaced by C.
Protein change: p.Lys2346Thr; replaces lysine 2346 with threonine.
Molecular consequence: missense variant.
Genome position (GRCh38, 1-based): chr5:72,203,587, A>C. VCF-style: chr5-72203587-A-C. GRCh37 (hg19) VCF-style: chr5-71499414-A-C.
Other names: c.6659A>C, p.Lys2220Thr (NM_001324255.2); short protein forms K2220T, K2346T.
Identifiers: ClinVar variation 4281782 (VCV004281782.1).